The following is an entry in ClinVar:

ClinVar aggregate classification (germline): Uncertain significance (1 of 4 stars; one submission).

Allele frequency attached by ClinVar (database versions not stated): gnomAD exomes below 0.00001.
gnomAD v4.1: 3 of 1,613,960 alleles (0.00019%); highest among the groups gnomAD compares: Non-Finnish European, 0.00025%; no homozygotes.

Submission:

Labcorp Genetics (formerly Invitae), Labcorp
Classification: Uncertain significance. Last evaluated: 2024-01-30. Review status: criteria provided, single submitter. Criteria: Invitae Variant Classification Sherloc (09022015). Collection method: clinical testing. Allele origin: germline.
Comment: This sequence change replaces cysteine, which is neutral and slightly polar, with arginine, which is basic and polar, at codon 180 of the PRUNE1 protein (p.Cys180Arg). This variant is not present in population databases (gnomAD no frequency). This variant has not been reported in the literature in individuals affected with PRUNE1-related conditions. Advanced modeling of protein sequence and biophysical properties (such as structural, functional, and spatial information, amino acid conservation, physicochemical variation, residue mobility, and thermodynamic stability) performed at Invitae indicates that this missense variant is expected to disrupt PRUNE1 protein function with a positive predictive value of 80%. In summary, the available evidence is currently insufficient to determine the role of this variant in disease. Therefore, it has been classified as a Variant of Uncertain Significance.

NM_021222.3(PRUNE1):c.538T>C (p.Cys180Arg)

Gene: PRUNE1 (prune exopolyphosphatase 1; plus strand). Cytogenetic location: 1q21.3.
Variant type: single nucleotide variant.
Coding change: c.538T>C on transcript NM_021222.3 (MANE Select); coding-DNA position 538, T replaced by C.
Protein change: p.Cys180Arg; replaces cysteine 180 with arginine.
Molecular consequence: missense variant. On other transcripts: 5 prime UTR variant (1), non-coding transcript variant (2), intron variant (1).
Genome position (GRCh38, 1-based): chr1:151,025,532, T>C. VCF-style: chr1-151025532-T-C. GRCh37 (hg19) VCF-style: chr1-150998008-T-C.
Other names: c.-9T>C (NM_001303229.2); c.538T>C, p.Cys180Arg (NM_001303242.2); c.77-1701T>C (NM_001303243.2); short protein forms C180R.
Identifiers: ClinVar variation 2710477 (VCV002710477.3), dbSNP rs2528385919, ClinGen allele CA341905280.